The following is an entry in ClinVar:

NM_015937.6(PIGT):c.13A>G (p.Met5Val)

Gene: PIGT (phosphatidylinositol glycan anchor biosynthesis class T; plus strand). Cytogenetic location: 20q13.12.
Variant type: single nucleotide variant.
Coding change: c.13A>G on transcript NM_015937.6 (MANE Select); coding-DNA position 13, A replaced by G.
Protein change: p.Met5Val; replaces methionine 5 with valine.
Molecular consequence: missense variant. On other transcripts: non-coding transcript variant (5).
Genome position (GRCh38, 1-based): chr20:45,416,169, A>G. VCF-style: chr20-45416169-A-G. GRCh37 (hg19) VCF-style: chr20-44044809-A-G.
Other names: c.13A>G (NM_015937.4); c.13A>G, p.Met5Val (NM_001184728.3, NM_001184729.3, NM_001184730.3); short protein forms M5V.
Identifiers: ClinVar variation 2652350 (VCV002652350.25), dbSNP rs532563519, ClinGen allele CA9877749.

ClinVar aggregate classification (germline): Likely benign. Review status: criteria provided, multiple submitters, no conflicts (2 of 4 stars). 2 submissions from 2 submitters: Likely benign (2). Last evaluated 2024-02-27.

Conditions:
Inborn genetic diseases. Identifiers: MedGen C0950123, MeSH D030342.

Allele frequency attached by ClinVar (database versions not stated): gnomAD 0.00008; ExAC 0.00010; 1000 Genomes Project 30x 0.00016; 1000 Genomes Project 0.00020.
gnomAD v4.1: 48 of 1,569,888 alleles (0.0031%); highest among the groups gnomAD compares: Middle Eastern, 0.021%; no homozygotes.

Submissions (2):

Ambry Genetics
Classification: Likely benign for Inborn genetic diseases. Last evaluated: 2024-02-27. Review status: criteria provided, single submitter. Criteria: Ambry Variant Classification Scheme 2023. Collection method: clinical testing. Allele origin: germline.

CeGaT Center for Human Genetics Tuebingen
Classification: Likely benign. Last evaluated: 2023-01-01. Review status: criteria provided, single submitter. Criteria: CeGaT Center For Human Genetics Tuebingen Variant Classification Criteria Version 2. Collection method: clinical testing. Allele origin: germline. Affected: yes. Observed: 1 variant allele.
Comment: PIGT: BP4